The following is an entry in ClinVar:

ClinVar aggregate classification (germline): Pathogenic (1 of 4 stars; one submission).

Conditions:
Hereditary cancer-predisposing syndrome. Also called: Hereditary neoplastic syndrome; Hereditary Cancer Syndrome; Neoplastic Syndromes, Hereditary; Tumor predisposition. Identifiers: Orphanet 140162, MedGen C0027672, MeSH D009386, MONDO:0015356.

Submission:

Color Diagnostics, LLC DBA Color Health
Classification: Pathogenic for Hereditary cancer-predisposing syndrome. Last evaluated: 2022-10-31. Review status: criteria provided, single submitter. Criteria: ACMG Guidelines, 2015. Collection method: clinical testing. Allele origin: germline.
Comment: This variant inserts 1 nucleotide in exon 8 of the MSH6 gene, creating a frameshift and premature translation stop signal. This variant is expected to result in an absent or non-functional protein product. To our knowledge, this variant has not been reported in individuals affected with hereditary cancer in the literature. This variant has not been identified in the general population by the Genome Aggregation Database (gnomAD). Loss of MSH6 function is a known mechanism of disease. Based on the available evidence, this variant is classified as Pathogenic.

NM_000179.3(MSH6):c.3722dup (p.Cys1241fs)

Gene: MSH6 (mutS homolog 6; plus strand). Cytogenetic location: 2p16.3.
Variant type: Duplication.
Coding change: c.3722dup on transcript NM_000179.3 (MANE Select); coding-DNA position 3722, one base duplicated (G; older notation c.3722dupG).
Protein change: p.Cys1241fs; shifts the reading frame from cysteine 1241.
Molecular consequence: frameshift variant. On other transcripts: non-coding transcript variant (5).
Genome position (GRCh38, 1-based): chr2:47,806,279, G duplicated. VCF-style (leftmost placement, unchanged base first): chr2-47806278-T-TG. GRCh37 (hg19) VCF-style: chr2-48033417-T-TG.
Other names: c.3332dup, p.Cys1111fs (NM_001281492.2); c.2816dup, p.Cys939fs (NM_001281493.2, NM_001281494.2, NM_001406811.1 and 6 more transcripts); c.3818dup, p.Cys1273fs (NM_001406795.1, NM_001406802.1); c.3722dup, p.Cys1241fs (NM_001406796.1, NM_001406800.1, NM_001406808.1 and 1 more transcripts); c.3425dup, p.Cys1142fs (NM_001406797.1, NM_001406801.1, NM_001406805.1 and 10 more transcripts); c.3548dup, p.Cys1183fs (NM_001406798.1); c.3197dup, p.Cys1066fs (NM_001406799.1, NM_001406806.1, NM_001406807.1); c.2858dup, p.Cys953fs (NM_001406803.1); and 7 more; short protein forms C1183fs, C1243fs, C953fs, C1066fs, C1142fs, C1185fs, C1215fs, C556fs.
Identifiers: ClinVar variation 2773665 (VCV002773665.2), dbSNP rs2530843021, ClinGen allele CA2697548072.